The following is an entry in ClinVar:

ClinVar aggregate classification (germline): Conflicting classifications of pathogenicity. Review status: criteria provided, conflicting classifications (1 of 4 stars). 6 submissions from 6 submitters: Uncertain significance (4); Likely benign (2). Last evaluated 2025-12-21.

Conditions:
Hereditary cancer-predisposing syndrome. Also called: Tumor predisposition; Hereditary Cancer Syndrome; Neoplastic Syndromes, Hereditary; Hereditary neoplastic syndrome. Identifiers: Orphanet 140162, MedGen C0027672, MeSH D009386, MONDO:0015356.
Tuberous sclerosis syndrome (TSC). Also called: Tuberous sclerosis; Tuberous Sclerosis Complex. Identifiers: Orphanet 805, MedGen C0041341, MONDO:0001734.
Tuberous sclerosis 2 (TSC2). Identifiers: Orphanet 805, MedGen C1860707, MONDO:0013199, OMIM 613254.

Allele frequency attached by ClinVar (database versions not stated): gnomAD exomes 0.00001; ExAC 0.00002; gnomAD 0.00003 and 0.00004; TOPMed 0.00003; ESP Exome Variant Server 0.00008.
gnomAD v4.1: 17 of 1,613,840 alleles (0.0011%); highest among the groups gnomAD compares: African/African-American, 0.0053%; no homozygotes.

Submissions (6):

Ambry Genetics
Classification: Uncertain significance for Hereditary cancer-predisposing syndrome. Last evaluated: 2025-12-21. Review status: criteria provided, single submitter. Criteria: Ambry Variant Classification Scheme 2023. Collection method: clinical testing. Allele origin: germline.
Comment: The p.H890Y variant (also known as c.2668C>T), located in coding exon 23 of the TSC2 gene, results from a C to T substitution at nucleotide position 2668. The histidine at codon 890 is replaced by tyrosine, an amino acid with similar properties. This amino acid position is highly conserved in available vertebrate species. In addition, this alteration is predicted to be deleterious by in silico analysis. Since supporting evidence is limited at this time, the clinical significance of this alteration remains unclear.

Labcorp Genetics (formerly Invitae), Labcorp
Classification: Likely benign for Tuberous sclerosis 2. Last evaluated: 2025-12-17. Review status: criteria provided, single submitter. Criteria: Invitae Variant Classification Sherloc (09022015). Collection method: clinical testing. Allele origin: germline.

GeneDx
Classification: Uncertain significance. Last evaluated: 2024-04-26. Review status: criteria provided, single submitter. Criteria: GeneDx Variant Classification Process June 2021. Collection method: clinical testing. Allele origin: germline. Affected: yes.
Comment: In silico analysis supports that this missense variant has a deleterious effect on protein structure/function; Has not been previously published as pathogenic or benign to our knowledge

Color Diagnostics, LLC DBA Color Health
Classification: Uncertain significance for Tuberous sclerosis syndrome. Last evaluated: 2024-04-03. Review status: criteria provided, single submitter. Criteria: ACMG Guidelines, 2015. Collection method: clinical testing. Allele origin: germline.
Comment: This missense variant replaces histidine with tyrosine at codon 890 of the TSC2 protein. Computational prediction suggests that this variant may have deleterious impact on protein structure and function. To our knowledge, functional studies have not been reported for this variant. This variant has not been reported in individuals affected with tuberous sclerosis complex in the literature. This variant has been identified in 3/250904 chromosomes in the general population by the Genome Aggregation Database (gnomAD). The available evidence is insufficient to determine the role of this variant in disease conclusively. Therefore, this variant is classified as a Variant of Uncertain Significance.

All of Us Research Program, National Institutes of Health
Classification: Uncertain significance for Tuberous sclerosis syndrome. Last evaluated: 2023-05-08. Review status: criteria provided, single submitter. Criteria: ACMG Guidelines, 2015. Collection method: clinical testing. Allele origin: germline. Inheritance: Autosomal dominant inheritance. Observed: 1 variant allele, 1 heterozygote.
Comment: This study involves interpretation of variants in research participants for the purpose of population health screening. Participant phenotype was not available at the time of variant classification. Additional details can be found in publication PMID: 35346344, PMCID: PMC8962531

Genome-Nilou Lab
Classification: Likely benign for Tuberous sclerosis 2. Last evaluated: 2021-11-07. Review status: criteria provided, single submitter. Criteria: ACMG Guidelines, 2015. Collection method: clinical testing. Allele origin: germline. Affected: no.

NM_000548.5(TSC2):c.2668C>T (p.His890Tyr)

Gene: TSC2 (TSC complex subunit 2; plus strand). Cytogenetic location: 16p13.3.
Variant type: single nucleotide variant.
Coding change: c.2668C>T on transcript NM_000548.5 (MANE Select); coding-DNA position 2668, C replaced by T.
Protein change: p.His890Tyr; replaces histidine 890 with tyrosine.
Molecular consequence: missense variant.
Genome position (GRCh38, 1-based): chr16:2,076,096, C>T. VCF-style: chr16-2076096-C-T. GRCh37 (hg19) VCF-style: chr16-2126097-C-T.
Other names: c.2668C>T, p.His890Tyr (NM_001077183.3, NM_001114382.3, NM_001363528.2 and 3 more transcripts); c.2557C>T, p.His853Tyr (NM_001318827.2); c.2521C>T, p.His841Tyr (NM_001318829.2); c.2068C>T, p.His690Tyr (NM_001318831.2); c.2701C>T, p.His901Tyr (NM_001318832.2); short protein forms H890Y, H690Y, H853Y, H901Y, H841Y.
Identifiers: ClinVar variation 536006 (VCV000536006.23), dbSNP rs145258407, ClinGen allele CA040850.
Genomic context (GRCh38, chr16:2,076,096, plus strand): 5'-AGGATGGAGTGCCAGCCCCCTTCTCATCTCAGGTTTAATCAGTACATCGTGTGTCTGGCC[C>T]ATCACGTCATAGCCATGTGGTTCATCAGGTGCCGCCTGCCCTTCCGGAAGGATTTTGTCC-3'
Protein context (NP_000539.2, residues 880-900): KFNQYIVCLA[His890Tyr]HVIAMWFIRC